The following is an entry in ClinVar:

ClinVar aggregate classification (germline): Benign. Review status: criteria provided, multiple submitters, no conflicts (2 of 4 stars). 14 submissions from 12 submitters: Benign (10). 4 of the submissions do not count toward it. Last evaluated 2026-02-04.

Conditions:
Polydactyly. Also called: polydactylism. Identifiers: MedGen C0152427, MONDO:0021003, OMIM 603596, HP:0010442.
Greig cephalopolysyndactyly syndrome (GCPS). Also called: GLI3-Related Greig Cephalopolysyndactyly Syndrome; POLYSYNDACTYLY WITH PECULIAR SKULL SHAPE; Greig syndrome. Identifiers: Orphanet 380, MedGen C0265306, MONDO:0008287, OMIM 175700.
Pallister-Hall syndrome (PHS). Also called: HYPOTHALAMIC HAMARTOBLASTOMA, HYPOPITUITARISM, IMPERFORATE ANUS, AND POSTAXIAL POLYDACTYLY; GLI3-Related Pallister-Hall Syndrome. Identifiers: Orphanet 672, MedGen C0265220, MONDO:0007804, OMIM 146510.

Allele frequency attached by ClinVar (database versions not stated): gnomAD exomes 0.54420 and 0.56364; ExAC 0.56303; 1000 Genomes Project 0.60363; 1000 Genomes Project 30x 0.60993; TOPMed 0.63268; gnomAD 0.63498 and 0.64495; ESP Exome Variant Server 0.66185.
gnomAD v4.1: 915,902 of 1,607,848 alleles (57%); highest among the groups gnomAD compares: African/African-American, 87%; 266,873 homozygotes.

Submissions (14):

Labcorp Genetics (formerly Invitae), Labcorp
Classification: Benign for Pallister-Hall syndrome; Greig cephalopolysyndactyly syndrome. Last evaluated: 2026-02-04. Review status: criteria provided, single submitter. Criteria: Invitae Variant Classification Sherloc (09022015). Collection method: clinical testing. Allele origin: germline.

Blueprint Genetics
Classification: Benign. Last evaluated: 2024-11-27. Review status: criteria provided, single submitter. Criteria: ACMG Guidelines, 2015. Collection method: clinical testing. Allele origin: germline.

Mayo Clinic Laboratories, Mayo Clinic
Classification: Benign. Last evaluated: 2022-03-09. Review status: criteria provided, single submitter. Criteria: ACMG Guidelines, 2015. Collection method: clinical testing. Allele origin: germline. Observed: 55 variant alleles.

ARUP Laboratories, Molecular Genetics and Genomics, ARUP Laboratories
Classification: Benign. Last evaluated: 2020-05-20. Review status: criteria provided, single submitter. Criteria: ARUP Molecular Germline Variant Investigation Process. Collection method: clinical testing. Allele origin: germline.

Illumina Laboratory Services, Illumina
Classification: Benign for Pallister-Hall syndrome. Last evaluated: 2018-01-13. Review status: criteria provided, single submitter. Criteria: ICSL Variant Classification Criteria 13 December 2019. Collection method: clinical testing. Allele origin: germline.
Comment: This variant was observed in the ICSL laboratory as part of a predisposition screen in an ostensibly healthy population. It had not been previously curated by ICSL or reported in the Human Gene Mutation Database (HGMD: prior to June 1st, 2018), and was therefore a candidate for classification through an automated scoring system. Utilizing variant allele frequency, disease prevalence and penetrance estimates, and inheritance mode, an automated score was calculated to assess if this variant is too frequent to cause the disease. Based on the score and internal cut-off values, a variant classified as benign is not then subjected to further curation. The score for this variant resulted in a classification of benign for this disease.

Illumina Laboratory Services, Illumina
Classification: Benign for Greig cephalopolysyndactyly syndrome. Last evaluated: 2018-01-13. Review status: criteria provided, single submitter. Criteria: ICSL Variant Classification Criteria 13 December 2019. Collection method: clinical testing. Allele origin: germline.
Comment: the same text as in the submission from Illumina Laboratory Services, Illumina above.

Illumina Laboratory Services, Illumina
Classification: Benign for Polydactyly. Last evaluated: 2018-01-13. Review status: criteria provided, single submitter. Criteria: ICSL Variant Classification Criteria 13 December 2019. Collection method: clinical testing. Allele origin: germline.
Comment: the same text as in the submission from Illumina Laboratory Services, Illumina above.

Eurofins Ntd Llc (ga)
Classification: Benign. Last evaluated: 2016-03-16. Review status: criteria provided, single submitter. Criteria: EGL Classification Definitions 2015. Collection method: clinical testing. Allele origin: germline. Observed: 5 variant alleles, 4 heterozygotes, 1 homozygote.

GeneDx
Classification: Benign. Last evaluated: 2015-03-03. Review status: criteria provided, single submitter. Criteria: GeneDx Variant Classification Process June 2021. Collection method: clinical testing. Allele origin: germline. Affected: yes.

PreventionGenetics, part of Exact Sciences
Classification: Benign. Review status: criteria provided, single submitter. Criteria: ACMG Guidelines, 2015. Collection method: clinical testing. Allele origin: germline.

Clinical Genetics DNA and cytogenetics Diagnostics Lab, Erasmus MC, Erasmus Medical Center
Classification: Benign. Review status: no assertion criteria provided. Collection method: clinical testing. Allele origin: germline. Affected: yes. Study: VKGL Data-share Consensus. Not counted in ClinVar's aggregate classification.

Clinical Genetics, Academic Medical Center
Classification: Benign. Review status: no assertion criteria provided. Collection method: clinical testing. Allele origin: germline. Affected: yes. Study: VKGL Data-share Consensus. Not counted in ClinVar's aggregate classification.

Diagnostic Laboratory, Department of Genetics, University Medical Center Groningen
Classification: Benign. Review status: no assertion criteria provided. Collection method: clinical testing. Allele origin: germline. Affected: yes. Study: VKGL Data-share Consensus. Not counted in ClinVar's aggregate classification.

Genome Diagnostics Laboratory, University Medical Center Utrecht
Classification: Benign. Review status: no assertion criteria provided. Collection method: clinical testing. Allele origin: germline. Affected: yes. Study: VKGL Data-share Consensus. Not counted in ClinVar's aggregate classification.

NM_000168.6(GLI3):c.547A>G (p.Thr183Ala)

Gene: GLI3 (GLI family zinc finger 3; minus strand). Cytogenetic location: 7p14.1.
Variant type: single nucleotide variant.
Coding change: c.547A>G on transcript NM_000168.6 (MANE Select); coding-DNA position 547, A replaced by G.
Protein change: p.Thr183Ala; replaces threonine 183 with alanine.
Molecular consequence: missense variant.
Genome position (GRCh38, 1-based): chr7:42,048,623, T>C on the plus strand (A>G on the coding strand, the complement: GLI3 is on the minus strand). VCF-style: chr7-42048623-T-C. GRCh37 (hg19) VCF-style: chr7-42088222-T-C.
Other names: short protein forms T183A.
Identifiers: ClinVar variation 255446 (VCV000255446.35), dbSNP rs846266, ClinGen allele CA4231148.
Genomic context (GRCh38, chr7:42,048,623, plus strand): 5'-AGTCCATGTAGGGATTAATGTAGGGATGTGGAGGGCTGAAGGGAGACTCGGAAGCAGCAG[T>C]GGGGTTCCGGTGTGGGGAGATCCTAATGAAGGGCAGGTCCGGATACGTAGGGCTACTAGA-3'
Protein context (NP_000159.3, residues 173-193): FIRISPHRNP[Thr183Ala]AASESPFSPP